The following is an entry in ClinVar:

NM_032119.4(ADGRV1):c.18910A>G (p.Thr6304Ala)

Gene: ADGRV1 (adhesion G protein-coupled receptor V1; plus strand). Cytogenetic location: 5q14.3.
Variant type: single nucleotide variant.
Coding change: c.18910A>G on transcript NM_032119.4 (MANE Select); coding-DNA position 18910, A replaced by G.
Protein change: p.Thr6304Ala; replaces threonine 6304 with alanine.
Molecular consequence: missense variant. On other transcripts: non-coding transcript variant (1).
Genome position (GRCh38, 1-based): chr5:91,163,889, A>G. VCF-style: chr5-91163889-A-G. GRCh37 (hg19) VCF-style: chr5-90459706-A-G.
Other names: short protein forms T6304A.
Identifiers: ClinVar variation 2052405 (VCV002052405.1), dbSNP rs1797163643, ClinGen allele CA360433060.

ClinVar aggregate classification (germline): Uncertain significance (1 of 4 stars; one submission).

Allele frequency attached by ClinVar (database versions not stated): gnomAD exomes below 0.00001; TOPMed below 0.00001; gnomAD 0.00001.
gnomAD v4.1: 6 of 1,527,844 alleles (0.00039%); highest among the groups gnomAD compares: Non-Finnish European, 0.00054%; no homozygotes.

Submission:

Labcorp Genetics (formerly Invitae), Labcorp
Classification: Uncertain significance. Last evaluated: 2022-10-24. Review status: criteria provided, single submitter. Criteria: Invitae Variant Classification Sherloc (09022015). Collection method: clinical testing. Allele origin: germline.
Comment: This sequence change replaces threonine, which is neutral and polar, with alanine, which is neutral and non-polar, at codon 6304 of the ADGRV1 protein (p.Thr6304Ala). This variant is not present in population databases (gnomAD no frequency). This missense change has been observed in individual(s) with clinical features of autosomal recessive deafness (Invitae). In at least one individual the data is consistent with being in trans (on the opposite chromosome) from a pathogenic variant. Algorithms developed to predict the effect of missense changes on protein structure and function are either unavailable or do not agree on the potential impact of this missense change (SIFT: "Deleterious"; PolyPhen-2: "Possibly Damaging"; Align-GVGD: "Class C0"). In summary, the available evidence is currently insufficient to determine the role of this variant in disease. Therefore, it has been classified as a Variant of Uncertain Significance.